The following is an entry in ClinVar:

ClinVar aggregate classification (germline): Benign/Likely benign. Review status: criteria provided, multiple submitters, no conflicts (2 of 4 stars). 4 submissions from 4 submitters: Benign (1); Likely benign (3). Last evaluated 2025-07-21.

Conditions:
Hereditary cancer-predisposing syndrome. Also called: Tumor predisposition; Hereditary Cancer Syndrome; Hereditary neoplastic syndrome; Neoplastic Syndromes, Hereditary. Identifiers: Orphanet 140162, MedGen C0027672, MeSH D009386, MONDO:0015356.
Familial adenomatous polyposis 1 (FAP1). Also called: FAMILIAL ADENOMATOUS POLYPOSIS 1, ATTENUATED; POLYPOSIS, ADENOMATOUS INTESTINAL. Identifiers: MedGen C2713442, MONDO:0021056, OMIM 175100. Disease mechanism: loss of function.

Allele frequency attached by ClinVar (database versions not stated): gnomAD exomes 0.00001 and 0.00002; ExAC 0.00002.
gnomAD v4.1: 15 of 1,610,228 alleles (0.00093%); highest among the groups gnomAD compares: South Asian, 0.014%; no homozygotes.

Submissions (4):

Labcorp Genetics (formerly Invitae), Labcorp
Classification: Likely benign for Familial adenomatous polyposis 1. Last evaluated: 2025-07-21. Review status: criteria provided, single submitter. Criteria: Invitae Variant Classification Sherloc (09022015). Collection method: clinical testing. Allele origin: germline.

Myriad Genetics, Inc.
Classification: Benign for Familial adenomatous polyposis 1. Last evaluated: 2024-04-02. Review status: criteria provided, single submitter. Criteria: Myriad Autosomal Dominant, Autosomal Recessive and X-Linked Classification Criteria (2023). Collection method: clinical testing. Allele origin: unknown.
Comment: This variant is considered benign. This variant is a silent/synonymous amino acid change and it is not expected to impact splicing.

Color Diagnostics, LLC DBA Color Health
Classification: Likely benign for Hereditary cancer-predisposing syndrome. Last evaluated: 2018-07-03. Review status: criteria provided, single submitter. Criteria: ACMG Guidelines, 2015. Collection method: clinical testing. Allele origin: germline.

Ambry Genetics
Classification: Likely benign for Hereditary cancer-predisposing syndrome. Last evaluated: 2017-05-10. Review status: criteria provided, single submitter. Criteria: Ambry Variant Classification Scheme 2023. Collection method: clinical testing. Allele origin: germline.

NM_000038.6(APC):c.5421C>T (p.Asp1807=)

Gene: APC (APC regulator of Wnt signaling pathway; plus strand). Cytogenetic location: 5q22.2.
Variant type: single nucleotide variant.
Coding change: c.5421C>T on transcript NM_000038.6 (MANE Select); coding-DNA position 5421, C replaced by T.
Protein change: p.Asp1807=; no amino-acid change (aspartic acid 1807 retained).
Molecular consequence: synonymous variant.
Genome position (GRCh38, 1-based): chr5:112,841,015, C>T. VCF-style: chr5-112841015-C-T. GRCh37 (hg19) VCF-style: chr5-112176712-C-T.
Other names: c.5043C>T, p.Asp1681= (NM_001354904.2); c.4941C>T, p.Asp1647= (NM_001354905.2); c.4572C>T, p.Asp1524= (NM_001354906.2); c.5421C>T, p.Asp1807= (NM_001127510.3, NM_001354895.2); c.5367C>T, p.Asp1789= (NM_001127511.3); c.5475C>T, p.Asp1825= (NM_001354896.2); c.5451C>T, p.Asp1817= (NM_001354897.2); c.5346C>T, p.Asp1782= (NM_001354898.2); and 5 more.
Identifiers: ClinVar variation 487055 (VCV000487055.20), dbSNP rs753501921, ClinGen allele CA041884.